The following is an entry in ClinVar:

NM_001084.5(PLOD3):c.1284C>G (p.Phe428Leu)

Gene: PLOD3 (procollagen-lysine,2-oxoglutarate 5-dioxygenase 3; minus strand). Cytogenetic location: 7q22.1.
Variant type: single nucleotide variant.
Coding change: c.1284C>G on transcript NM_001084.5 (MANE Select); coding-DNA position 1284, C replaced by G.
Protein change: p.Phe428Leu; replaces phenylalanine 428 with leucine.
Molecular consequence: missense variant.
Genome position (GRCh38, 1-based): chr7:101,211,665, G>C on the plus strand (C>G on the coding strand, the complement: PLOD3 is on the minus strand). VCF-style: chr7-101211665-G-C. GRCh37 (hg19) VCF-style: chr7-100854946-G-C.
Other names: short protein forms F428L.
Identifiers: ClinVar variation 1478301 (VCV001478301.5), dbSNP rs1186812422, ClinGen allele CA368617360.

ClinVar aggregate classification (germline): Uncertain significance (1 of 4 stars; one submission).

Allele frequency attached by ClinVar (database versions not stated): TOPMed 0.00001; gnomAD 0.00001.

Submission:

Labcorp Genetics (formerly Invitae), Labcorp
Classification: Uncertain significance. Last evaluated: 2021-09-24. Review status: criteria provided, single submitter. Criteria: Invitae Variant Classification Sherloc (09022015). Collection method: clinical testing. Allele origin: germline.
Comment: This sequence change replaces phenylalanine with leucine at codon 428 of the PLOD3 protein (p.Phe428Leu). The phenylalanine residue is highly conserved and there is a small physicochemical difference between phenylalanine and leucine. This variant is not present in population databases (ExAC no frequency). This variant has not been reported in the literature in individuals with PLOD3-related conditions. Algorithms developed to predict the effect of missense changes on protein structure and function are either unavailable or do not agree on the potential impact of this missense change (SIFT: "Deleterious"; PolyPhen-2: "Benign"; Align-GVGD: "Class C15"). In summary, the available evidence is currently insufficient to determine the role of this variant in disease. Therefore, it has been classified as a Variant of Uncertain Significance.